The following is an entry in ClinVar:

NM_177438.3(DICER1):c.4255G>C (p.Glu1419Gln)

Gene: DICER1 (dicer 1, ribonuclease III; minus strand). Cytogenetic location: 14q32.13.
Variant type: single nucleotide variant.
Coding change: c.4255G>C on transcript NM_177438.3 (MANE Select); coding-DNA position 4255, G replaced by C.
Protein change: p.Glu1419Gln; replaces glutamic acid 1419 with glutamine.
Molecular consequence: missense variant.
Genome position (GRCh38, 1-based): chr14:95,096,665, C>G on the plus strand (G>C on the coding strand, the complement: DICER1 is on the minus strand). VCF-style: chr14-95096665-C-G. GRCh37 (hg19) VCF-style: chr14-95563002-C-G.
Other names: c.4255G>C, p.Glu1419Gln (NM_001195573.1, NM_001271282.3, NM_001291628.2 and 1 more transcripts); short protein forms E1419Q.
Identifiers: ClinVar variation 1515347 (VCV001515347.11), dbSNP rs775839852, ClinGen allele CA7330867.

ClinVar aggregate classification (germline): Uncertain significance. Review status: criteria provided, multiple submitters, no conflicts (2 of 4 stars). 2 submissions from 2 submitters: Uncertain significance (2). Last evaluated 2024-04-16.

Conditions:
DICER1-related tumor predisposition. Also called: DICER1 syndrome; DICER1-related pleuropulmonary blastoma cancer predisposition syndrome. Identifiers: Orphanet 284343, MedGen C3839822, MONDO:0100216.
Hereditary cancer-predisposing syndrome. Also called: Neoplastic Syndromes, Hereditary; Hereditary Cancer Syndrome; Tumor predisposition; Hereditary neoplastic syndrome. Identifiers: Orphanet 140162, MedGen C0027672, MeSH D009386, MONDO:0015356.

Allele frequency attached by ClinVar (database versions not stated): gnomAD exomes below 0.00001; ExAC 0.00001.
gnomAD v4.1: 2 of 1,613,004 alleles (0.00012%); highest among the groups gnomAD compares: Non-Finnish European, 0.00017%; no homozygotes.

Submissions (2):

Labcorp Genetics (formerly Invitae), Labcorp
Classification: Uncertain significance for DICER1-related tumor predisposition. Last evaluated: 2024-04-16. Review status: criteria provided, single submitter. Criteria: Invitae Variant Classification Sherloc (09022015). Collection method: clinical testing. Allele origin: germline.
Comment: This sequence change replaces glutamic acid, which is acidic and polar, with glutamine, which is neutral and polar, at codon 1419 of the DICER1 protein (p.Glu1419Gln). This variant is present in population databases (rs775839852, gnomAD 0.0009%). This variant has not been reported in the literature in individuals affected with DICER1-related conditions. ClinVar contains an entry for this variant (Variation ID: 1515347). An algorithm developed to predict the effect of missense changes on protein structure and function (PolyPhen-2) suggests that this variant is likely to be tolerated. In summary, the available evidence is currently insufficient to determine the role of this variant in disease. Therefore, it has been classified as a Variant of Uncertain Significance.

Ambry Genetics
Classification: Uncertain significance for Hereditary cancer-predisposing syndrome. Last evaluated: 2022-05-24. Review status: criteria provided, single submitter. Criteria: Ambry Variant Classification Scheme 2023. Collection method: clinical testing. Allele origin: germline.
Comment: The p.E1419Q variant (also known as c.4255G>C), located in coding exon 22 of the DICER1 gene, results from a G to C substitution at nucleotide position 4255. The glutamic acid at codon 1419 is replaced by glutamine, an amino acid with highly similar properties. This amino acid position is not well conserved in available vertebrate species. In addition, this alteration is predicted to be tolerated by in silico analysis. Since supporting evidence is limited at this time, the clinical significance of this alteration remains unclear.